The following is an entry in ClinVar:

ClinVar aggregate classification (germline): Uncertain significance. Review status: criteria provided, multiple submitters, no conflicts (2 of 4 stars). 5 submissions from 5 submitters: Uncertain significance (5). Last evaluated 2025-07-14.

Conditions:
Loeys-Dietz syndrome 4 (LDS4). Also called: ANEURYSM, AORTIC AND CEREBRAL, WITH ARTERIAL TORTUOSITY AND SKELETAL MANIFESTATIONS; TGFB2-Related Loeys-Dietz Syndrome. Identifiers: MedGen C3553762, MONDO:0013897, OMIM 614816.
Familial thoracic aortic aneurysm and aortic dissection (TAAD). Also called: Thoracic aortic aneurysms and dissections. Identifiers: Orphanet 91387, MedGen C4707243, MONDO:0019625.

Allele frequency attached by ClinVar (database versions not stated): gnomAD 0.00001 and 0.00002; gnomAD exomes 0.00002; TOPMed 0.00002; ExAC 0.00003; ESP Exome Variant Server 0.00015; 1000 Genomes Project 30x 0.00016; 1000 Genomes Project 0.00020.
gnomAD v4.1: 18 of 1,614,148 alleles (0.0011%); highest among the groups gnomAD compares: Admixed American, 0.01%; no homozygotes.

Submissions (5):

Labcorp Genetics (formerly Invitae), Labcorp
Classification: Uncertain significance for Loeys-Dietz syndrome 4. Last evaluated: 2025-07-14. Review status: criteria provided, single submitter. Criteria: Invitae Variant Classification Sherloc (09022015). Collection method: clinical testing. Allele origin: germline.
Comment: This sequence change replaces glutamine, which is neutral and polar, with arginine, which is basic and polar, at codon 79 of the TGFB2 protein (p.Gln79Arg). This variant is present in population databases (rs371241859, gnomAD 0.009%). This variant has not been reported in the literature in individuals affected with TGFB2-related conditions. ClinVar contains an entry for this variant (Variation ID: 213851). Invitae Evidence Modeling of protein sequence and biophysical properties (such as structural, functional, and spatial information, amino acid conservation, physicochemical variation, residue mobility, and thermodynamic stability) indicates that this missense variant is not expected to disrupt TGFB2 protein function with a negative predictive value of 80%. In summary, the available evidence is currently insufficient to determine the role of this variant in disease. Therefore, it has been classified as a Variant of Uncertain Significance.

Ambry Genetics
Classification: Uncertain significance for Familial thoracic aortic aneurysm and aortic dissection. Last evaluated: 2024-11-25. Review status: criteria provided, single submitter. Criteria: Ambry Variant Classification Scheme 2023. Collection method: clinical testing. Allele origin: germline.
Comment: The p.Q79R variant (also known as c.236A>G), located in coding exon 1 of the TGFB2 gene, results from an A to G substitution at nucleotide position 236. The glutamine at codon 79 is replaced by arginine, an amino acid with highly similar properties. This amino acid position is well conserved in available vertebrate species. In addition, the in silico prediction for this alteration is inconclusive. Based on the available evidence, the clinical significance of this variant remains unclear.

Genetics and Molecular Pathology, SA Pathology
Classification: Uncertain significance for Loeys-Dietz syndrome 4. Last evaluated: 2022-12-19. Review status: criteria provided, single submitter. Criteria: ACMG Guidelines, 2015. Collection method: clinical testing. Allele origin: germline. Affected: yes.
Comment: The TGFB2 c.236A>G variant is classified as VUS (PM5) The TGFB2 c.236A>G variant is a single nucleotide change in exon 1/7 of the TGFB2 gene, which is predicted to change the amino acid glutamine at position 79 in the protein to arginine. This variant is a novel missense change at an amino acid residue where a different missense change has been seen before (p.Gln79Leu reported as likely pathogenic in PMID: 29392890) (PM5). The variant has been reported in dbSNP (rs371241859) and has been reported as Uncertain significance by other diagnostic laboratories (ClinVar Variation ID: 213851). It has not been reported in HGMD. Computational pathogenicity predictions are mixed (PP3/BP3 not applied) and a few alleles reported in population databases (gnomAD) (PM2 not applied).

Fulgent Genetics
Classification: Uncertain significance for Loeys-Dietz syndrome 4. Last evaluated: 2021-10-09. Review status: criteria provided, single submitter. Criteria: ACMG Guidelines, 2015. Collection method: clinical testing. Allele origin: unknown.

GeneDx
Classification: Uncertain significance. Last evaluated: 2015-06-30. Review status: criteria provided, single submitter. Criteria: GeneDx Variant Classification (06012015). Collection method: clinical testing. Allele origin: germline. Affected: yes.
Comment: p.Gln79Arg (Q79R) (CAG>CGG): c.236 A>G in exon 1 of the TGFB2 gene (NM_003238.3). A variant of unknown significance has been identified in the TGFB2 gene. The Q79R variant has not been published as a mutation, nor has it been reported as a benign polymorphism to our knowledge. The Q79R variant was not observed with any significant frequency in approximately 6500 individuals of European and African American ancestry in the NHLBI Exome Sequencing Project. The Q79R variant is a semi-conservative amino acid substitution, which may impact secondary protein structure as these residues differ in some properties. This substitution occurs at a position that is conserved in mammals. However, in silico analysis is inconsistent in its predictions as to whether or not the variant is damaging to the protein structure/function. Finally, no missense mutations in nearby residues have been reported in association with TGFB2-related disorders, suggesting this region of the protein may be tolerant of change. Therefore, based on the currently available information, it is unclear whether this variant is a pathogenic mutation or a rare benign variant. This variant was found in TAADV2-PANCARD.

Literature cited by the submitters: PubMed 29392890 (cited by Genetics and Molecular Pathology, SA Pathology).

NM_003238.6(TGFB2):c.236A>G (p.Gln79Arg)

Gene: TGFB2 (transforming growth factor beta 2; plus strand). Cytogenetic location: 1q41.
Variant type: single nucleotide variant.
Coding change: c.236A>G on transcript NM_003238.6 (MANE Select); coding-DNA position 236, A replaced by G.
Protein change: p.Gln79Arg; replaces glutamine 79 with arginine.
Molecular consequence: missense variant. On other transcripts: non-coding transcript variant (2).
Genome position (GRCh38, 1-based): chr1:218,346,937, A>G. VCF-style: chr1-218346937-A-G. GRCh37 (hg19) VCF-style: chr1-218520279-A-G.
Other names: p.Q79R:CAG>CGG; c.236A>G, p.Gln79Arg (NM_001135599.4); short protein forms Q79R.
Identifiers: ClinVar variation 213851 (VCV000213851.31), dbSNP rs371241859, ClinGen allele CA320534.